The following is an entry in ClinVar:

ClinVar aggregate classification (germline): Uncertain significance (1 of 4 stars; one submission).

gnomAD v4.1: 1 of 1,610,690 alleles (0.000062%); highest among the groups gnomAD compares: Non-Finnish European, 0.000085%; no homozygotes.

Submission:

Labcorp Genetics (formerly Invitae), Labcorp
Classification: Uncertain significance. Last evaluated: 2024-05-24. Review status: criteria provided, single submitter. Criteria: Invitae Variant Classification Sherloc (09022015). Collection method: clinical testing. Allele origin: germline.
Comment: This sequence change replaces arginine, which is basic and polar, with glycine, which is neutral and non-polar, at codon 3582 of the LAMA5 protein (p.Arg3582Gly). This variant is not present in population databases (gnomAD no frequency). This variant has not been reported in the literature in individuals affected with LAMA5-related conditions. Advanced modeling of protein sequence and biophysical properties (such as structural, functional, and spatial information, amino acid conservation, physicochemical variation, residue mobility, and thermodynamic stability) performed at Invitae indicates that this missense variant is not expected to disrupt LAMA5 protein function with a negative predictive value of 80%. In summary, the available evidence is currently insufficient to determine the role of this variant in disease. Therefore, it has been classified as a Variant of Uncertain Significance.

NM_005560.6(LAMA5):c.10744C>G (p.Arg3582Gly)

Gene: LAMA5 (laminin subunit alpha 5; minus strand). Cytogenetic location: 20q13.33.
Variant type: single nucleotide variant.
Coding change: c.10744C>G on transcript NM_005560.6 (MANE Select); coding-DNA position 10744, C replaced by G.
Protein change: p.Arg3582Gly; replaces arginine 3582 with glycine.
Molecular consequence: missense variant.
Genome position (GRCh38, 1-based): chr20:62,310,072, G>C on the plus strand (C>G on the coding strand, the complement: LAMA5 is on the minus strand). VCF-style: chr20-62310072-G-C. GRCh37 (hg19) VCF-style: chr20-60885128-G-C.
Other names: short protein forms R3582G.
Identifiers: ClinVar variation 3604625 (VCV003604625.2).